The following is an entry in ClinVar:

ClinVar aggregate classification (germline): Uncertain significance (1 of 4 stars; one submission).

gnomAD v4.1: 1 of 1,614,052 alleles (0.000062%); highest among the groups gnomAD compares: Non-Finnish European, 0.000085%; no homozygotes.

Submission:

CeGaT Center for Human Genetics Tuebingen
Classification: Uncertain significance. Last evaluated: 2026-07-01. Review status: criteria provided, single submitter. Criteria: CeGaT Center For Human Genetics Tuebingen Variant Classification Criteria Version 2. Collection method: clinical testing. Allele origin: germline. Affected: yes. Observed: 1 variant allele.
Comment: MAN2B1: PM2

NM_000528.4(MAN2B1):c.994C>T (p.Leu332Phe)

Gene: MAN2B1 (mannosidase alpha class 2B member 1; minus strand). Cytogenetic location: 19p13.13.
Variant type: single nucleotide variant.
Coding change: c.994C>T on transcript NM_000528.4 (MANE Select); coding-DNA position 994, C replaced by T.
Protein change: p.Leu332Phe; replaces leucine 332 with phenylalanine.
Molecular consequence: missense variant.
Genome position (GRCh38, 1-based): chr19:12,661,292, G>A on the plus strand (C>T on the coding strand, the complement: MAN2B1 is on the minus strand). VCF-style: chr19-12661292-G-A. GRCh37 (hg19) VCF-style: chr19-12772106-G-A.
Other names: c.994C>T, p.Leu332Phe (NM_001173498.2, NM_001440570.1); short protein forms L332F.
Identifiers: ClinVar variation 5040256 (VCV005040256.1).
Genomic context (GRCh38, chr19:12,661,292, plus strand): 5'-AAGGGTACCACAGGGTAGGCGCACTGACCTGCGCATTTACCAGCCGGATGAGCTTGTCAA[G>A]GTTCTTGAACCACATGTTGGCATTCTCATATTGGAAGTCCGAGCCCATGGTCATCACAGT-3'
Protein context (NP_000519.2, residues 322-342): YENANMWFKN[Leu332Phe]DKLIRLVNAQ